The following is an entry in ClinVar:

NM_001289808.2(CRYAB):c.386A>G (p.Asp129Gly)

Gene: CRYAB (crystallin alpha B; minus strand). Cytogenetic location: 11q23.1.
Variant type: single nucleotide variant.
Coding change: c.386A>G on transcript NM_001289808.2 (MANE Select); coding-DNA position 386, A replaced by G.
Protein change: p.Asp129Gly; replaces aspartic acid 129 with glycine.
Molecular consequence: missense variant.
Genome position (GRCh38, 1-based): chr11:111,908,906, T>C on the plus strand (A>G on the coding strand, the complement: CRYAB is on the minus strand). VCF-style: chr11-111908906-T-C. GRCh37 (hg19) VCF-style: chr11-111779630-T-C.
Other names: c.386A>G, p.Asp129Gly (NM_001289807.1, NM_001368245.1, NM_001885.3); c.185A>G, p.Asp62Gly (NM_001330379.1, NM_001368246.1); short protein forms D62G, D129G.
Identifiers: ClinVar variation 2097948 (VCV002097948.5), dbSNP rs899795789, ClinGen allele CA228543697.
Genomic context (GRCh38, chr11:111,908,906, plus strand): 5'-CTTGGTCCATTCACAGTGAGGACCCCATCAGATGACAGGGATGAAGTAATGGTGAGAGGG[T>C]CTACATCAGCTGGGATCCGGTATTTCCTGTGGAACTCCCTGGAGATGAAACCATGTTCAT-3'
Protein context (NP_001276737.1, residues 119-139): HRKYRIPADV[Asp129Gly]PLTITSSLSS

ClinVar aggregate classification (germline): Uncertain significance. Review status: criteria provided, multiple submitters, no conflicts (2 of 4 stars). 2 submissions from 2 submitters: Uncertain significance (2). Last evaluated 2026-08-06.

Conditions:
Dilated cardiomyopathy 1II (CMD1II). Identifiers: Orphanet 154, MedGen C3554649, MONDO:0014073, OMIM 615184.

Allele frequency attached by ClinVar (database versions not stated): gnomAD exomes below 0.00001.
gnomAD v4.1: 1 of 1,613,980 alleles (0.000062%); highest among the groups gnomAD compares: Non-Finnish European, 0.000085%; no homozygotes.

Submissions (2):

OLLIN Analises Genomicas, OLLIN
Classification: Uncertain significance. Last evaluated: 2026-08-06. Review status: criteria provided, single submitter. Criteria: ACMG Guidelines 2015 PMID 25741868. Collection method: clinical testing. Allele origin: germline.
Comment: This missense variant, located in exon 3 (of 3), has been reported in ClinVar (accession VCV002097948.4) and in gnomAD with an allele frequency of 0.000062%. However, to our knowledge, it has not been reported in the scientific literature. In silico analysis predicts that this variant has a deleterious effect. According to the currently available evidence, this variant has been classified as uncertain significance (PM2_P, PP3_S).

Labcorp Genetics (formerly Invitae), Labcorp
Classification: Uncertain significance for Dilated cardiomyopathy 1II. Last evaluated: 2022-04-25. Review status: criteria provided, single submitter. Criteria: Invitae Variant Classification Sherloc (09022015). Collection method: clinical testing. Allele origin: germline.
Comment: In summary, the available evidence is currently insufficient to determine the role of this variant in disease. Therefore, it has been classified as a Variant of Uncertain Significance. Algorithms developed to predict the effect of missense changes on protein structure and function are either unavailable or do not agree on the potential impact of this missense change (SIFT: "Deleterious"; PolyPhen-2: "Probably Damaging"; Align-GVGD: "Class C0"). This variant has not been reported in the literature in individuals affected with CRYAB-related conditions. This variant is not present in population databases (gnomAD no frequency). This sequence change replaces aspartic acid, which is acidic and polar, with glycine, which is neutral and non-polar, at codon 129 of the CRYAB protein (p.Asp129Gly).